The following is an entry in ClinVar:

ClinVar aggregate classification (germline): Uncertain significance (1 of 4 stars; one submission).

Submission:

Labcorp Genetics (formerly Invitae), Labcorp
Classification: Uncertain significance. Last evaluated: 2022-07-20. Review status: criteria provided, single submitter. Criteria: Invitae Variant Classification Sherloc (09022015). Collection method: clinical testing. Allele origin: germline.
Comment: Algorithms developed to predict the effect of missense changes on protein structure and function are either unavailable or do not agree on the potential impact of this missense change (SIFT: "Tolerated"; PolyPhen-2: "Possibly Damaging"; Align-GVGD: "Class C0"). In summary, the available evidence is currently insufficient to determine the role of this variant in disease. Therefore, it has been classified as a Variant of Uncertain Significance. This variant has not been reported in the literature in individuals affected with ELP1-related conditions. This variant is not present in population databases (gnomAD no frequency). This sequence change replaces cysteine, which is neutral and slightly polar, with tryptophan, which is neutral and slightly polar, at codon 562 of the ELP1 protein (p.Cys562Trp).

NM_003640.5(ELP1):c.1686C>G (p.Cys562Trp)

Gene: ELP1 (elongator acetyltransferase complex subunit 1; minus strand). Cytogenetic location: 9q31.3.
Variant type: single nucleotide variant.
Coding change: c.1686C>G on transcript NM_003640.5 (MANE Select); coding-DNA position 1686, C replaced by G.
Protein change: p.Cys562Trp; replaces cysteine 562 with tryptophan.
Molecular consequence: missense variant.
Genome position (GRCh38, 1-based): chr9:108,903,627, G>C on the plus strand (C>G on the coding strand, the complement: ELP1 is on the minus strand). VCF-style: chr9-108903627-G-C. GRCh37 (hg19) VCF-style: chr9-111665907-G-C.
Other names: c.1344C>G, p.Cys448Trp (NM_001318360.2); c.639C>G, p.Cys213Trp (NM_001330749.2); short protein forms C448W, C562W, C213W.
Identifiers: ClinVar variation 2018294 (VCV002018294.4), dbSNP rs1041875977, ClinGen allele CA374426039.
Genomic context (GRCh38, chr9:108,903,627, plus strand): 5'-AAGGTACTTAAATATCTGGCCATCAGCCAGCTGTAATACTACTGACTTGGTCTTGGAATT[G>C]CAACATAGACTGATTATGACCCCATCCACCGCTGCAGATGAACTGACAAAAAAAAGGAGA-3'
Protein context (NP_003631.2, residues 552-572): AVDGVIISLC[Cys562Trp]NSKTKSVVLQ